The following is an entry in ClinVar:

NM_014159.7(SETD2):c.409G>A (p.Val137Met)

Gene: SETD2 (SET domain containing 2, histone lysine methyltransferase; minus strand). Cytogenetic location: 3p21.31.
Variant type: single nucleotide variant.
Coding change: c.409G>A on transcript NM_014159.7 (MANE Select); coding-DNA position 409, G replaced by A.
Protein change: p.Val137Met; replaces valine 137 with methionine.
Molecular consequence: missense variant. On other transcripts: non-coding transcript variant (1).
Genome position (GRCh38, 1-based): chr3:47,124,227, C>T on the plus strand (G>A on the coding strand, the complement: SETD2 is on the minus strand). VCF-style: chr3-47124227-C-T. GRCh37 (hg19) VCF-style: chr3-47165717-C-T.
Other names: c.277G>A, p.Val93Met (NM_001349370.3); short protein forms V137M, V93M.
Identifiers: ClinVar variation 2870337 (VCV002870337.3), dbSNP rs886565042, ClinGen allele CA73812289.
Genomic context (GRCh38, chr3:47,124,227, plus strand): 5'-GCAGTGGCCTGGATGTTACATGAAGCAGATGTTTCTTAAAATGAATTTTGCCCAATTCCA[C>T]CCTTGACTTTGGTGGGGAAGATTCTTCTGCAGTAGATAAGGTATCACCAATTTCCATTTT-3'
Protein context (NP_054878.5, residues 127-147): AEESSPPKSR[Val137Met]ELGKIHFKKH

ClinVar aggregate classification (germline): Uncertain significance (1 of 4 stars; one submission).

Conditions:
Luscan-Lumish syndrome. Identifiers: Orphanet 597738, MedGen C4085873, MONDO:0014791, OMIM 616831.

Allele frequency attached by ClinVar (database versions not stated): gnomAD exomes below 0.00001; gnomAD 0.00001; TOPMed 0.00001.
gnomAD v4.1: 5 of 1,551,650 alleles (0.00032%); highest among the groups gnomAD compares: African/African-American, 0.0041%; no homozygotes.

Submission:

Labcorp Genetics (formerly Invitae), Labcorp
Classification: Uncertain significance for Luscan-Lumish syndrome. Last evaluated: 2023-11-13. Review status: criteria provided, single submitter. Criteria: Invitae Variant Classification Sherloc (09022015). Collection method: clinical testing. Allele origin: germline.
Comment: This sequence change replaces valine, which is neutral and non-polar, with methionine, which is neutral and non-polar, at codon 137 of the SETD2 protein (p.Val137Met). This variant is present in population databases (no rsID available, gnomAD 0.03%). This variant has not been reported in the literature in individuals affected with SETD2-related conditions. Advanced modeling of protein sequence and biophysical properties (such as structural, functional, and spatial information, amino acid conservation, physicochemical variation, residue mobility, and thermodynamic stability) has been performed at Invitae for this missense variant, however the output from this modeling did not meet the statistical confidence thresholds required to predict the impact of this variant on SETD2 protein function. In summary, the available evidence is currently insufficient to determine the role of this variant in disease. Therefore, it has been classified as a Variant of Uncertain Significance.